The following is an entry in ClinVar:

NM_006767.4(LZTR1):c.1223ACA[2] (p.Asn410del)

Gene: LZTR1 (leucine zipper like post translational regulator 1; plus strand). Cytogenetic location: 22q11.21.
Variant type: Microsatellite.
Coding change: c.1223ACA[2] on transcript NM_006767.4 (MANE Select); two copies in a row of the 3-base unit ACA starting at c.1223; the reference has three copies in a row; one copy, 3 bases deleted.
Protein change: p.Asn410del; deletes asparagine 410.
Molecular consequence: inframe deletion.
Genome position (GRCh38, 1-based): chr22:20,992,873-20,992,875, ACA deleted; deleting any 3 consecutive bases within chr22:20,992,867-20,992,875 gives the same sequence; the position shown is the placement nearest the transcript's 3' end. VCF-style (leftmost placement, unchanged base first): chr22-20992866-GACA-G. GRCh37 (hg19) VCF-style: chr22-21347155-GACA-G.
Other names: short protein forms N410del.
Identifiers: ClinVar variation 3343892 (VCV003343892.1).
Genomic context (GRCh38, chr22:20,992,866, plus strand): 5'-AGGCTCTTCCACGCGGCTGCTGTCATCTCGGACGCCATGTACATCTTCGGGGGCACGGTG[GACA>G]ACAACATCCGCAGCGGGGAGATGTACAGGTTCCAGGTGTGGGGCCTGTGGGCCTGTAGAG-3'

ClinVar aggregate classification (germline): Uncertain significance (1 of 4 stars; one submission).

Submission:

GeneDx
Classification: Uncertain significance. Last evaluated: 2024-03-11. Review status: criteria provided, single submitter. Criteria: GeneDx Variant Classification Process June 2021. Collection method: clinical testing. Allele origin: germline. Affected: yes.
Comment: In-frame deletion of 1 amino acid in a non-repeat region; Not observed at significant frequency in large population cohorts (gnomAD); In silico analysis supports a deleterious effect on protein structure/function; Has not been previously published as pathogenic or benign to our knowledge